The following is an entry in ClinVar:

NM_144997.7(FLCN):c.991T>C (p.Ser331Pro)

Gene: FLCN (folliculin; minus strand). Cytogenetic location: 17p11.2.
Variant type: single nucleotide variant.
Coding change: c.991T>C on transcript NM_144997.7 (MANE Select); coding-DNA position 991, T replaced by C.
Protein change: p.Ser331Pro; replaces serine 331 with proline.
Molecular consequence: missense variant.
Genome position (GRCh38, 1-based): chr17:17,219,090, A>G on the plus strand (T>C on the coding strand, the complement: FLCN is on the minus strand). VCF-style: chr17-17219090-A-G. GRCh37 (hg19) VCF-style: chr17-17122404-A-G.
Other names: c.1045T>C, p.Ser349Pro (NM_001353229.2); c.991T>C, p.Ser331Pro (NM_001353230.2, NM_001353231.2); short protein forms S331P, S349P.
Identifiers: ClinVar variation 1055627 (VCV001055627.11), dbSNP rs2144895251, ClinGen allele CA398532859.

ClinVar aggregate classification (germline): Uncertain significance. Review status: criteria provided, multiple submitters, no conflicts (2 of 4 stars). 5 submissions from 5 submitters: Uncertain significance (5). Last evaluated 2024-10-07.

Conditions:
Familial spontaneous pneumothorax (PSP). Identifiers: Orphanet 2903, MedGen C1868193, MONDO:0008259, OMIM 173600.
Hereditary cancer-predisposing syndrome. Also called: Hereditary Cancer Syndrome; Tumor predisposition; Hereditary neoplastic syndrome; Neoplastic Syndromes, Hereditary. Identifiers: Orphanet 140162, MedGen C0027672, MeSH D009386, MONDO:0015356.
Birt-Hogg-Dube syndrome. Also called: Birt Hogg Dubé syndrome. Identifiers: Orphanet 122, MedGen C0346010, MONDO:0800444.

gnomAD v4.1: 1 of 1,614,148 alleles (0.000062%); no homozygotes.

Submissions (5):

Labcorp Genetics (formerly Invitae), Labcorp
Classification: Uncertain significance for Birt-Hogg-Dube syndrome. Last evaluated: 2024-10-07. Review status: criteria provided, single submitter. Criteria: Invitae Variant Classification Sherloc (09022015). Collection method: clinical testing. Allele origin: germline.
Comment: This sequence change replaces serine, which is neutral and polar, with proline, which is neutral and non-polar, at codon 331 of the FLCN protein (p.Ser331Pro). This variant is not present in population databases (gnomAD no frequency). This variant has not been reported in the literature in individuals affected with FLCN-related conditions. ClinVar contains an entry for this variant (Variation ID: 1055627). Invitae Evidence Modeling of protein sequence and biophysical properties (such as structural, functional, and spatial information, amino acid conservation, physicochemical variation, residue mobility, and thermodynamic stability) indicates that this missense variant is not expected to disrupt FLCN protein function with a negative predictive value of 80%. In summary, the available evidence is currently insufficient to determine the role of this variant in disease. Therefore, it has been classified as a Variant of Uncertain Significance.

Ambry Genetics
Classification: Uncertain significance for Hereditary cancer-predisposing syndrome. Last evaluated: 2024-06-10. Review status: criteria provided, single submitter. Criteria: Ambry Variant Classification Scheme 2023. Collection method: clinical testing. Allele origin: germline.
Comment: The p.S331P variant (also known as c.991T>C), located in coding exon 6 of the FLCN gene, results from a T to C substitution at nucleotide position 991. The serine at codon 331 is replaced by proline, an amino acid with similar properties. This amino acid position is poorly conserved in available vertebrate species. In addition, this alteration is predicted to be tolerated by in silico analysis. Since supporting evidence is limited at this time, the clinical significance of this alteration remains unclear.

GeneDx
Classification: Uncertain significance. Last evaluated: 2023-10-05. Review status: criteria provided, single submitter. Criteria: GeneDx Variant Classification Process June 2021. Collection method: clinical testing. Allele origin: germline. Affected: yes.
Comment: Has not been previously published as pathogenic or benign to our knowledge; Not observed at significant frequency in large population cohorts (gnomAD); In silico analysis supports that this missense variant does not alter protein structure/function

Baylor Genetics
Classification: Uncertain significance for Birt-Hogg-Dube syndrome 1. Last evaluated: 2023-06-09. Review status: criteria provided, single submitter. Criteria: ACMG Guidelines, 2015. Collection method: clinical testing. Allele origin: unknown.

Johns Hopkins Genomics, Johns Hopkins University
Classification: Uncertain significance for Familial spontaneous pneumothorax. Last evaluated: 2023-06-06. Review status: criteria provided, single submitter. Criteria: ACMG Guidelines, 2015. Collection method: clinical testing. Allele origin: germline.
Comment: This FLCN missense variant is absent from a large population dataset. It has been reported in ClinVar (Variation ID 1055627), but has not been reported in the literature, to our knowledge. Two bioinformatic tools queried predict that this substitution would be tolerated, and the serine residue at this position is evolutionarily conserved across only a few of the species assessed. We consider the clinical significance of c.991T>C in FLCN to be uncertain at this time.